The following is an entry in ClinVar:

ClinVar aggregate classification (germline): Uncertain significance (1 of 4 stars; one submission).

Submission:

GeneDx
Classification: Uncertain significance. Last evaluated: 2024-12-16. Review status: criteria provided, single submitter. Criteria: GeneDx Variant Classification Process June 2021. Collection method: clinical testing. Allele origin: germline. Affected: yes.
Comment: Not observed at significant frequency in large population cohorts (gnomAD); In silico analysis indicates that this missense variant does not alter protein structure/function; Has not been previously published as pathogenic or benign to our knowledge

NM_001170629.2(CHD8):c.2959C>A (p.Leu987Met)

Gene: CHD8 (chromodomain helicase DNA binding protein 8; minus strand). Cytogenetic location: 14q11.2.
Variant type: single nucleotide variant.
Coding change: c.2959C>A on transcript NM_001170629.2 (MANE Select); coding-DNA position 2959, C replaced by A.
Protein change: p.Leu987Met; replaces leucine 987 with methionine.
Molecular consequence: missense variant.
Genome position (GRCh38, 1-based): chr14:21,405,813, G>T on the plus strand (C>A on the coding strand, the complement: CHD8 is on the minus strand). VCF-style: chr14-21405813-G-T. GRCh37 (hg19) VCF-style: chr14-21873972-G-T.
Other names: c.2122C>A, p.Leu708Met (NM_020920.4); short protein forms L708M, L987M.
Identifiers: ClinVar variation 3903149 (VCV003903149.1).